The following is an entry in ClinVar:

ClinVar aggregate classification (germline): Uncertain significance (1 of 4 stars; one submission).

Conditions:
Candidiasis, familial, 9 (CANDF9). Identifiers: Orphanet 1334, MedGen C4225324, MONDO:0014642, OMIM 616445.

gnomAD v4.1: 1 of 1,601,670 alleles (0.000062%); highest among the groups gnomAD compares: Admixed American, 0.0017%; no homozygotes.

Submission:

Labcorp Genetics (formerly Invitae), Labcorp
Classification: Uncertain significance for Candidiasis, familial, 9. Last evaluated: 2024-03-01. Review status: criteria provided, single submitter. Criteria: Invitae Variant Classification Sherloc (09022015). Collection method: clinical testing. Allele origin: germline.
Comment: This sequence change replaces glycine, which is neutral and non-polar, with glutamic acid, which is acidic and polar, at codon 784 of the IL17RC protein (p.Gly784Glu). This variant is not present in population databases (gnomAD no frequency). This variant has not been reported in the literature in individuals affected with IL17RC-related conditions. Experimental studies and prediction algorithms are not available or were not evaluated, and the functional significance of this variant is currently unknown. In summary, the available evidence is currently insufficient to determine the role of this variant in disease. Therefore, it has been classified as a Variant of Uncertain Significance.

NM_153460.4(IL17RC):c.2138G>A (p.Gly713Glu)

Genes: IL17RC (interleukin 17 receptor C; plus strand), LOC129936144 (ATAC-STARR-seq lymphoblastoid silent region 14051; plus strand). Cytogenetic location: 3p25.3.
Variant type: single nucleotide variant.
Coding change: c.2138G>A on transcript NM_153460.4 (MANE Select); coding-DNA position 2138, G replaced by A.
Protein change: p.Gly713Glu; replaces glycine 713 with glutamic acid.
Molecular consequence: missense variant. On other transcripts: non-coding transcript variant (1).
Genome position (GRCh38, 1-based): chr3:9,933,568, G>A. VCF-style: chr3-9933568-G-A. GRCh37 (hg19) VCF-style: chr3-9975252-G-A.
Other names: c.2099G>A, p.Gly700Glu (NM_001203263.2); c.2048G>A, p.Gly683Glu (NM_001203264.2); c.2042G>A, p.Gly681Glu (NM_001203265.2); c.2060G>A, p.Gly687Glu (NM_001367278.1); c.1979G>A, p.Gly660Glu (NM_001367279.1); c.2054G>A, p.Gly685Glu (NM_001367280.1); c.2003G>A, p.Gly668Glu (NM_001410711.1); c.2093G>A, p.Gly698Glu (NM_032732.6); and 1 more; short protein forms G681E, G698E, G700E, G784E, G683E, G685E, G660E, G668E.
Identifiers: ClinVar variation 3693363 (VCV003693363.2).
Genomic context (GRCh38, chr3:9,933,568, plus strand): 5'-ATAGCTACTTCCATCCCCCGGGGACTCCCGCGCCGGGACGCGGGGTGGGACCAGGCGCGG[G>A]ACCTGGGGCGGGGGACGGGACTTAAATAAAGGCAGACGCTGTTTTTCTACCCATGTGGCC-3'
Protein context (NP_703190.2, residues 703-720): APGRGVGPGA[Gly713Glu]PGAGDGT